The following is an entry in ClinVar:

ClinVar aggregate classification (germline): Likely benign (1 of 4 stars; one submission).

Allele frequency attached by ClinVar (database versions not stated): ESP Exome Variant Server 0.00069; ExAC 0.00142; gnomAD exomes 0.00145.

Submission:

CeGaT Center for Human Genetics Tuebingen
Classification: Likely benign. Last evaluated: 2026-04-01. Review status: criteria provided, single submitter. Criteria: CeGaT Center For Human Genetics Tuebingen Variant Classification Criteria Version 2. Collection method: clinical testing. Allele origin: germline. Affected: yes. Observed: 5 variant alleles.
Comment: UBC: BP4, BP7

NM_021009.7(UBC):c.1623T>C (p.Thr541=)

Gene: UBC (ubiquitin C; minus strand). Cytogenetic location: 12q24.31.
Variant type: single nucleotide variant.
Coding change: c.1623T>C on transcript NM_021009.7 (MANE Select); coding-DNA position 1623, T replaced by C.
Protein change: p.Thr541=; no amino-acid change (threonine 541 retained).
Molecular consequence: synonymous variant.
Genome position (GRCh38, 1-based): chr12:124,912,149, A>G on the plus strand (T>C on the coding strand, the complement: UBC is on the minus strand). VCF-style: chr12-124912149-A-G. GRCh37 (hg19) VCF-style: chr12-125396695-A-G.
Identifiers: ClinVar variation 2643566 (VCV002643566.24), dbSNP rs372157538, ClinGen allele CA6870870.